The following is an entry in ClinVar:

NM_002227.4(JAK1):c.934T>C (p.Tyr312His)

Gene: JAK1 (Janus kinase 1; minus strand). Cytogenetic location: 1p31.3.
Variant type: single nucleotide variant.
Coding change: c.934T>C on transcript NM_002227.4 (MANE Select); coding-DNA position 934, T replaced by C.
Protein change: p.Tyr312His; replaces tyrosine 312 with histidine.
Molecular consequence: missense variant.
Genome position (GRCh38, 1-based): chr1:64,866,922, A>G on the plus strand (T>C on the coding strand, the complement: JAK1 is on the minus strand). VCF-style: chr1-64866922-A-G. GRCh37 (hg19) VCF-style: chr1-65332605-A-G.
Other names: c.934T>C, p.Tyr312His (NM_001320923.2, NM_001321852.2, NM_001321853.2 and 4 more transcripts); c.934T>C (NM_002227.2); short protein forms Y312H.
Identifiers: ClinVar variation 2892635 (VCV002892635.4), dbSNP rs777873085, ClinGen allele CA893069.

ClinVar aggregate classification (germline): Uncertain significance. Review status: criteria provided, multiple submitters, no conflicts (2 of 4 stars). 2 submissions from 2 submitters: Uncertain significance (2). Last evaluated 2025-10-21.

Conditions:
Inborn genetic diseases. Identifiers: MedGen C0950123, MeSH D030342.

Allele frequency attached by ClinVar (database versions not stated): gnomAD exomes 0.00001; ExAC 0.00003.

Submissions (2):

Ambry Genetics
Classification: Uncertain significance for Inborn genetic diseases. Last evaluated: 2025-10-21. Review status: criteria provided, single submitter. Criteria: Ambry Variant Classification Scheme 2023. Collection method: clinical testing. Allele origin: germline.

Labcorp Genetics (formerly Invitae), Labcorp
Classification: Uncertain significance. Last evaluated: 2023-05-24. Review status: criteria provided, single submitter. Criteria: Invitae Variant Classification Sherloc (09022015). Collection method: clinical testing. Allele origin: germline.
Comment: In summary, the available evidence is currently insufficient to determine the role of this variant in disease. Therefore, it has been classified as a Variant of Uncertain Significance. Advanced modeling of protein sequence and biophysical properties (such as structural, functional, and spatial information, amino acid conservation, physicochemical variation, residue mobility, and thermodynamic stability) performed at Invitae indicates that this missense variant is not expected to disrupt JAK1 protein function. This variant has not been reported in the literature in individuals affected with JAK1-related conditions. This variant is present in population databases (rs777873085, gnomAD 0.01%). This sequence change replaces tyrosine, which is neutral and polar, with histidine, which is basic and polar, at codon 312 of the JAK1 protein (p.Tyr312His).